The following is an entry in ClinVar:

ClinVar aggregate classification (germline): Uncertain significance. Review status: criteria provided, multiple submitters, no conflicts (2 of 4 stars). 2 submissions from 2 submitters: Uncertain significance (2). Last evaluated 2025-05-12.

Conditions:
Familial thoracic aortic aneurysm and aortic dissection (TAAD). Also called: Thoracic aortic aneurysms and dissections. Identifiers: Orphanet 91387, MedGen C4707243, MONDO:0019625.
Aortic aneurysm, familial thoracic 4 (AAT4). Also called: AORTIC ANEURYSM/AORTIC DISSECTION AND PATENT DUCTUS ARTERIOSUS. Identifiers: MedGen C1851504, MONDO:0007568, OMIM 132900.

Submissions (2):

Color Diagnostics, LLC DBA Color Health
Classification: Uncertain significance for Familial thoracic aortic aneurysm and aortic dissection. Last evaluated: 2025-05-12. Review status: criteria provided, single submitter. Criteria: ACMG Guidelines, 2015. Collection method: clinical testing. Allele origin: germline.
Comment: This missense variant replaces lysine with glutamine at codon 1527 of the MYH11 protein. Computational prediction is inconclusive regarding the impact of this variant on protein structure and function. To our knowledge, functional studies have not been reported for this variant. This variant has not been reported in individuals affected with MYH11-related disorders in the literature. This variant has not been identified in the general population by the Genome Aggregation Database (gnomAD). The available evidence is insufficient to determine the role of this variant in disease conclusively. Therefore, this variant is classified as a Variant of Uncertain Significance.

Labcorp Genetics (formerly Invitae), Labcorp
Classification: Uncertain significance for Aortic aneurysm, familial thoracic 4. Last evaluated: 2024-06-07. Review status: criteria provided, single submitter. Criteria: Invitae Variant Classification Sherloc (09022015). Collection method: clinical testing. Allele origin: germline.
Comment: This sequence change replaces lysine, which is basic and polar, with glutamine, which is neutral and polar, at codon 1527 of the MYH11 protein (p.Lys1527Gln). This variant is not present in population databases (gnomAD no frequency). This variant has not been reported in the literature in individuals affected with MYH11-related conditions. Advanced modeling of protein sequence and biophysical properties (such as structural, functional, and spatial information, amino acid conservation, physicochemical variation, residue mobility, and thermodynamic stability) performed at Invitae indicates that this missense variant is not expected to disrupt MYH11 protein function with a negative predictive value of 95%. In summary, the available evidence is currently insufficient to determine the role of this variant in disease. Therefore, it has been classified as a Variant of Uncertain Significance.

NM_002474.3(MYH11):c.4558A>C (p.Lys1520Gln)

Genes: NDE1 (nudE neurodevelopment protein 1; plus strand), MYH11 (myosin heavy chain 11; minus strand). Cytogenetic location: 16p13.11.
Variant type: single nucleotide variant.
Coding change: c.4558A>C on transcript NM_002474.3 (MANE Select); coding-DNA position 4558, A replaced by C.
Protein change: p.Lys1520Gln; replaces lysine 1520 with glutamine.
Molecular consequence: missense variant. On other transcripts: intron variant (2).
Genome position (GRCh38, 1-based): chr16:15,721,442, T>G on the plus strand (A>C on the coding strand, the complement: MYH11 is on the minus strand). VCF-style: chr16-15721442-T-G. GRCh37 (hg19) VCF-style: chr16-15815299-T-G.
Other names: c.4579A>C, p.Lys1527Gln (NM_001040113.2, NM_001040114.2); c.4558A>C, p.Lys1520Gln (NM_022844.3); c.948-2749T>G (NM_001143979.2, NM_017668.3); short protein forms K1520Q, K1527Q.
Identifiers: ClinVar variation 3618382 (VCV003618382.3).